The following is an entry in ClinVar:

ClinVar aggregate classification (germline): Likely pathogenic (1 of 4 stars; one submission).

Conditions:
DOCK2 deficiency. Also called: Immunodeficiency 40. Identifiers: Orphanet 447737, MedGen C4225328, MONDO:0014637, OMIM 616433.

Allele frequency attached by ClinVar (database versions not stated): gnomAD exomes below 0.00001.
gnomAD v4.1: 3 of 1,613,638 alleles (0.00019%); highest among the groups gnomAD compares: Non-Finnish European, 0.00025%; no homozygotes.

Submission:

Labcorp Genetics (formerly Invitae), Labcorp
Classification: Likely pathogenic for DOCK2 deficiency. Last evaluated: 2017-12-12. Review status: criteria provided, single submitter. Criteria: Invitae Variant Classification Sherloc (09022015). Collection method: clinical testing. Allele origin: germline.
Comment: In summary, the currently available evidence indicates that the variant is pathogenic, but additional data are needed to prove that conclusively. Therefore, this variant has been classified as Likely Pathogenic. This sequence change affects a donor splice site in intron 41 of the DOCK2 gene. It is expected to disrupt RNA splicing and likely results in an absent or disrupted protein product. This variant is not present in population databases (ExAC no frequency). This variant has not been reported in the literature in individuals with DOCK2-related disease. Donor and acceptor splice site variants typically lead to a loss of protein function (PMID: 16199547), and loss-of-function variants in DOCK2 are known to be pathogenic (PMID: 26083206).

Literature cited by the submitters: PubMed 16199547; PubMed 26083206.

NM_004946.3(DOCK2):c.4213+1G>A

Gene: DOCK2 (dedicator of cytokinesis 2; plus strand). Cytogenetic location: 5q35.1.
Variant type: single nucleotide variant.
Coding change: c.4213+1G>A on transcript NM_004946.3 (MANE Select); the canonical splice donor site of the intron after coding-DNA position 4213, G replaced by A.
Molecular consequence: splice donor variant.
Genome position (GRCh38, 1-based): chr5:170,050,398, G>A. VCF-style: chr5-170050398-G-A. GRCh37 (hg19) VCF-style: chr5-169477402-G-A.
Identifiers: ClinVar variation 578786 (VCV000578786.7), dbSNP rs1561898523, ClinGen allele CA362110380.